The following is an entry in ClinVar:

ClinVar aggregate classification (germline): Uncertain significance (1 of 4 stars; one submission).

gnomAD v4.1: 15 of 1,545,998 alleles (0.00097%); highest among the groups gnomAD compares: Non-Finnish European, 0.0012%; no homozygotes.

Submission:

GeneDx
Classification: Uncertain significance. Last evaluated: 2024-06-04. Review status: criteria provided, single submitter. Criteria: GeneDx Variant Classification Process June 2021. Collection method: clinical testing. Allele origin: germline. Affected: yes.
Comment: Not observed at significant frequency in large population cohorts (gnomAD); In silico analysis indicates that this missense variant does not alter protein structure/function; Has not been previously published as pathogenic or benign to our knowledge

NM_001367624.2(ZNF469):c.9867C>G (p.Asp3289Glu)

Gene: ZNF469 (zinc finger protein 469; plus strand). Cytogenetic location: 16q24.2.
Variant type: single nucleotide variant.
Coding change: c.9867C>G on transcript NM_001367624.2 (MANE Select); coding-DNA position 9867, C replaced by G.
Protein change: p.Asp3289Glu; replaces aspartic acid 3289 with glutamic acid.
Molecular consequence: missense variant.
Genome position (GRCh38, 1-based): chr16:88,437,337, C>G. VCF-style: chr16-88437337-C-G. GRCh37 (hg19) VCF-style: chr16-88503745-C-G.
Other names: NM_001127464.1:c.9783C>G; short protein forms D3289E.
Identifiers: ClinVar variation 3384661 (VCV003384661.1).